The following is an entry in ClinVar:

ClinVar aggregate classification (germline): Likely benign. Review status: criteria provided, multiple submitters, no conflicts (2 of 4 stars). 2 submissions from 2 submitters: Likely benign (2). Last evaluated 2025-01-06.

Conditions:
RASopathy. Also called: rasopathies; Noonan spectrum disorder. Identifiers: Orphanet 536391, MedGen C5555857, MONDO:0021060.

Allele frequency attached by ClinVar (database versions not stated): TOPMed 0.00001.
gnomAD v4.1: 1 of 1,613,792 alleles (0.000062%); no homozygotes.

Submissions (2):

Labcorp Genetics (formerly Invitae), Labcorp
Classification: Likely benign for RASopathy. Last evaluated: 2025-01-06. Review status: criteria provided, single submitter. Criteria: Invitae Variant Classification Sherloc (09022015). Collection method: clinical testing. Allele origin: germline.

GeneDx
Classification: Likely benign. Last evaluated: 2016-04-20. Review status: criteria provided, single submitter. Criteria: GeneDx Variant Classification (06012015). Collection method: clinical testing. Allele origin: germline. Affected: yes.
Comment: This variant is considered likely benign or benign based on one or more of the following criteria: it is a conservative change, it occurs at a poorly conserved position in the protein, it is predicted to be benign by multiple in silico algorithms, and/or has population frequency not consistent with disease.

NM_005633.4(SOS1):c.3996T>C (p.Ser1332=)

Gene: SOS1 (SOS Ras/Rac guanine nucleotide exchange factor 1; minus strand). Cytogenetic location: 2p22.1.
Variant type: single nucleotide variant.
Coding change: c.3996T>C on transcript NM_005633.4 (MANE Select); coding-DNA position 3996, T replaced by C.
Protein change: p.Ser1332=; no amino-acid change (serine 1332 retained).
Molecular consequence: synonymous variant.
Genome position (GRCh38, 1-based): chr2:38,985,830, A>G on the plus strand (T>C on the coding strand, the complement: SOS1 is on the minus strand). VCF-style: chr2-38985830-A-G. GRCh37 (hg19) VCF-style: chr2-39212971-A-G.
Other names: c.3975T>C, p.Ser1325= (NM_001382394.1); c.3951T>C, p.Ser1317= (NM_001382395.1).
Identifiers: ClinVar variation 385741 (VCV000385741.3), dbSNP rs1057522315, ClinGen allele CA16604483.
Genomic context (GRCh38, chr2:38,985,830, plus strand): 5'-ATTGCCAGCAATGGATTTGGGGCTAGGAAAATATACATCCCAGTACAGAGGAACTCAGGA[A>G]GAATGGGCATTCTCCAACAGTGGTGGTCCATCTCTGTGCATGGATGGGTGTGTGTGCTCC-3'
Protein context (NP_005624.2, residues 1322-1333): DGPPLLENAH[Ser1332=]S